The following is an entry in ClinVar:

ClinVar aggregate classification (germline): Uncertain significance (1 of 4 stars; one submission).

Conditions:
Hereditary cancer-predisposing syndrome. Also called: Neoplastic Syndromes, Hereditary; Hereditary Cancer Syndrome; Tumor predisposition; Hereditary neoplastic syndrome. Identifiers: Orphanet 140162, MedGen C0027672, MeSH D009386, MONDO:0015356.

Submission:

Ambry Genetics
Classification: Uncertain significance for Hereditary cancer-predisposing syndrome. Last evaluated: 2025-01-06. Review status: criteria provided, single submitter. Criteria: Ambry Variant Classification Scheme 2023. Collection method: clinical testing. Allele origin: germline.
Comment: The p.Q399K variant (also known as c.1195C>A), located in coding exon 9 of the POLD1 gene, results from a C to A substitution at nucleotide position 1195. The glutamine at codon 399 is replaced by lysine, an amino acid with similar properties. This amino acid position is conserved. In addition, this alteration is predicted to be tolerated by in silico analysis. Based on the available evidence, the clinical significance of this variant remains unclear.

NM_002691.4(POLD1):c.1195C>A (p.Gln399Lys)

Gene: POLD1 (DNA polymerase delta 1, catalytic subunit; plus strand). Cytogenetic location: 19q13.33.
Variant type: single nucleotide variant.
Coding change: c.1195C>A on transcript NM_002691.4 (MANE Select); coding-DNA position 1195, C replaced by A.
Protein change: p.Gln399Lys; replaces glutamine 399 with lysine.
Molecular consequence: missense variant. On other transcripts: non-coding transcript variant (1).
Genome position (GRCh38, 1-based): chr19:50,403,550, C>A. VCF-style: chr19-50403550-C-A. GRCh37 (hg19) VCF-style: chr19-50906807-C-A.
Other names: c.1195C>A, p.Gln399Lys (NM_001256849.1, NM_001308632.1); short protein forms Q399K.
Identifiers: ClinVar variation 3781383 (VCV003781383.1).